The following is an entry in ClinVar:

NM_001080477.4(TENM3):c.777T>G (p.Gly259=)

Gene: TENM3 (teneurin transmembrane protein 3; plus strand). Cytogenetic location: 4q35.1.
Variant type: single nucleotide variant.
Coding change: c.777T>G on transcript NM_001080477.4 (MANE Select); coding-DNA position 777, T replaced by G.
Protein change: p.Gly259=; no amino-acid change (glycine 259 retained).
Molecular consequence: synonymous variant.
Genome position (GRCh38, 1-based): chr4:182,628,678, T>G. VCF-style: chr4-182628678-T-G. GRCh37 (hg19) VCF-style: chr4-183549831-T-G.
Identifiers: ClinVar variation 257356 (VCV000257356.11), dbSNP rs74199039, ClinGen allele CA3147516.

ClinVar aggregate classification (germline): Benign. Review status: criteria provided, multiple submitters, no conflicts (2 of 4 stars). 4 submissions from 4 submitters: Benign (4). Last evaluated 2026-02-02.

Allele frequency attached by ClinVar (database versions not stated): 1000 Genomes Project 30x 0.08292; 1000 Genomes Project 0.08466; ESP Exome Variant Server 0.06134; gnomAD 0.06316 and 0.06073; gnomAD exomes 0.07582; ExAC 0.13541; TOPMed 0.06462.
gnomAD v4.1: 124,217 of 1,596,730 alleles (7.8%); highest among the groups gnomAD compares: East Asian, 14%; 5,494 homozygotes.

Submissions (4):

Labcorp Genetics (formerly Invitae), Labcorp
Classification: Benign. Last evaluated: 2026-02-02. Review status: criteria provided, single submitter. Criteria: Invitae Variant Classification Sherloc (09022015). Collection method: clinical testing. Allele origin: germline.

GeneDx
Classification: Benign. Last evaluated: 2018-06-19. Review status: criteria provided, single submitter. Criteria: GeneDx Variant Classification (06012015). Collection method: clinical testing. Allele origin: germline. Affected: yes.
Comment: This variant is considered likely benign or benign based on one or more of the following criteria: it is a conservative change, it occurs at a poorly conserved position in the protein, it is predicted to be benign by multiple in silico algorithms, and/or has population frequency not consistent with disease.

Breakthrough Genomics
Classification: Benign. Review status: criteria provided, single submitter. Criteria: ACMG Guidelines, 2015. Collection method: not provided. Allele origin: germline. Inheritance: Autosomal recessive inheritance. Affected: yes.

PreventionGenetics, part of Exact Sciences
Classification: Benign. Review status: criteria provided, single submitter. Criteria: ACMG Guidelines, 2015. Collection method: clinical testing. Allele origin: germline.